The following is an entry in ClinVar:

ClinVar aggregate classification (germline): Likely pathogenic (1 of 4 stars; one submission).

Allele frequency attached by ClinVar (database versions not stated): gnomAD exomes below 0.00001; TOPMed below 0.00001; ExAC 0.00001.
gnomAD v4.1: 19 of 1,611,252 alleles (0.0012%); highest among the groups gnomAD compares: Non-Finnish European, 0.0015%; no homozygotes.

Submission:

Labcorp Genetics (formerly Invitae), Labcorp
Classification: Likely pathogenic. Last evaluated: 2025-11-17. Review status: criteria provided, single submitter. Criteria: Invitae Variant Classification Sherloc (09022015). Collection method: clinical testing. Allele origin: germline.
Comment: This sequence change affects a donor splice site in intron 11 of the RGS9 gene. It is expected to disrupt RNA splicing. Variants that disrupt the donor or acceptor splice site typically lead to a loss of protein function (PMID: 16199547), and loss-of-function variants in RGS9 are known to be pathogenic (PMID: 11262419, 14702087). This variant is present in population databases (rs745697064, gnomAD 0.0009%). This variant has not been reported in the literature in individuals affected with RGS9-related conditions. ClinVar contains an entry for this variant (Variation ID: 1498480). Algorithms developed to predict the effect of sequence changes on RNA splicing suggest that this variant may disrupt the consensus splice site. In summary, the currently available evidence indicates that the variant is pathogenic, but additional data are needed to prove that conclusively. Therefore, this variant has been classified as Likely Pathogenic.

Literature cited by the submitters: PubMed 16199547; PubMed 11262419; PubMed 14702087.

NM_003835.4(RGS9):c.746+1G>A

Gene: RGS9 (regulator of G protein signaling 9; plus strand). Cytogenetic location: 17q24.1.
Variant type: single nucleotide variant.
Coding change: c.746+1G>A on transcript NM_003835.4 (MANE Select); the canonical splice donor site of the intron after coding-DNA position 746, G replaced by A.
Molecular consequence: splice donor variant.
Genome position (GRCh38, 1-based): chr17:65,190,237, G>A. VCF-style: chr17-65190237-G-A. GRCh37 (hg19) VCF-style: chr17-63186355-G-A.
Other names: c.737+1G>A (NM_001081955.3, NM_001165933.2).
Identifiers: ClinVar variation 1498480 (VCV001498480.8), dbSNP rs745697064, ClinGen allele CA8717817.
Genomic context (GRCh38, chr17:65,190,237, plus strand): 5'-CATGTATTACCAACAGGCCTTGATGAGGTCCACAGTGAAGTCTTCTGTGTCCCTGGGAGG[G>A]TATGTCCCTGATTTGTTGATCTTGCTAAAGTCTGATGAACAGGTAGACAAGAGGAGAACT-3'